The following is an entry in ClinVar:

NM_198066.4(GNPNAT1):c.336C>A (p.Ser112=)

Gene: GNPNAT1 (glucosamine-phosphate N-acetyltransferase 1; minus strand). Cytogenetic location: 14q22.1.
Variant type: single nucleotide variant.
Coding change: c.336C>A on transcript NM_198066.4 (MANE Select); coding-DNA position 336, C replaced by A.
Protein change: p.Ser112=; no amino-acid change (serine 112 retained).
Molecular consequence: synonymous variant.
Genome position (GRCh38, 1-based): chr14:52,781,793, G>T on the plus strand (C>A on the coding strand, the complement: GNPNAT1 is on the minus strand). VCF-style: chr14-52781793-G-T. GRCh37 (hg19) VCF-style: chr14-53248511-G-T.
Identifiers: ClinVar variation 4821557 (VCV004821557.4).
Genomic context (GRCh38, chr14:52,781,793, plus strand): 5'-GTCAGTTGTGCTAGAAAACAGCTGTCCATTTTATTTATAAGCAGCACATACCTTAGCACA[G>T]GAATGGATGAATTTATGTTCTATAATCAGAGTTGCCGTAGCAACAATCTGTCCTAGAGTC-3'
Protein context (NP_932332.1, residues 102-122): TLIIEHKFIH[Ser112=]CAKRGRVEDV

ClinVar aggregate classification (germline): Likely benign (1 of 4 stars; one submission).

gnomAD v4.1: 608 of 1,600,082 alleles (0.038%); highest among the groups gnomAD compares: Non-Finnish European, 0.048%; no homozygotes.

Submission:

CeGaT Center for Human Genetics Tuebingen
Classification: Likely benign. Last evaluated: 2026-02-01. Review status: criteria provided, single submitter. Criteria: CeGaT Center For Human Genetics Tuebingen Variant Classification Criteria Version 2. Collection method: clinical testing. Allele origin: germline. Affected: yes. Observed: 1 variant allele.
Comment: GNPNAT1: BP4, BP7